The following is an entry in ClinVar:

ClinVar aggregate classification (germline): Uncertain significance. Review status: criteria provided, multiple submitters, no conflicts (2 of 4 stars). 2 submissions from 2 submitters: Uncertain significance (2). Last evaluated 2024-02-01.

Conditions:
Inborn genetic diseases. Identifiers: MedGen C0950123, MeSH D030342.
Developmental delay, impaired speech, and behavioral abnormalities. Identifiers: MedGen C5561957, MONDO:0859178, OMIM 619475.

gnomAD v4.1: 5 of 1,614,048 alleles (0.00031%); highest among the groups gnomAD compares: African/African-American, 0.0027%; no homozygotes.

Submissions (2):

Neuberg Centre For Genomic Medicine, NCGM
Classification: Uncertain significance for Developmental delay, impaired speech, and behavioral abnormalities. Last evaluated: 2024-02-01. Review status: criteria provided, single submitter. Criteria: ACMG Guidelines, 2015. Collection method: clinical testing. Allele origin: germline. Inheritance: Autosomal dominant inheritance.
Comment: The missense c.6299C>A (p.Pro2100Gln) variant in SPTBN1 gene has not been reported previously as a pathogenic variant nor as a benign variant, to our knowledge.

Ambry Genetics
Classification: Uncertain significance for Inborn genetic diseases. Last evaluated: 2023-07-25. Review status: criteria provided, single submitter. Criteria: Ambry Variant Classification Scheme 2023. Collection method: clinical testing. Allele origin: germline.

NM_003128.3(SPTBN1):c.6299C>A (p.Pro2100Gln)

Gene: SPTBN1 (spectrin beta, non-erythrocytic 1; plus strand). Cytogenetic location: 2p16.2.
Variant type: single nucleotide variant.
Coding change: c.6299C>A on transcript NM_003128.3 (MANE Select); coding-DNA position 6299, C replaced by A.
Protein change: p.Pro2100Gln; replaces proline 2100 with glutamine.
Molecular consequence: missense variant.
Genome position (GRCh38, 1-based): chr2:54,659,209, C>A. VCF-style: chr2-54659209-C-A. GRCh37 (hg19) VCF-style: chr2-54886346-C-A.
Other names: c.6260C>A, p.Pro2087Gln (NM_178313.3); short protein forms P2087Q, P2100Q.
Identifiers: ClinVar variation 2613776 (VCV002613776.4), dbSNP rs769504742, ClinGen allele CA346857272.